The following is an entry in ClinVar:

ClinVar aggregate classification (germline): Pathogenic. Review status: criteria provided, single submitter (1 of 4 stars). 2 submissions from 2 submitters: Pathogenic (1). 1 of the submissions does not count toward it. Last evaluated 2026-01-20.

Conditions:
Curry-Hall syndrome (WAD). Also called: WEYERS ACRODENTAL DYSOSTOSIS. Identifiers: Orphanet 952, MedGen C0457013, MONDO:0008673, OMIM 193530.
Ellis-van Creveld syndrome (EVC). Also called: EVC2-Related Ellis-van Creveld Syndrome; EVC-Related Ellis-van Creveld Syndrome; MESOECTODERMAL DYSPLASIA; Chondroectodermal dysplasia. Identifiers: Orphanet 289, MedGen C0013903, MONDO:0009162, OMIM 225500.

Allele frequency attached by ClinVar (database versions not stated): gnomAD exomes below 0.00001; TOPMed 0.00001.
gnomAD v4.1: 4 of 1,614,008 alleles (0.00025%); highest among the groups gnomAD compares: East Asian, 0.0045%; no homozygotes.

Submissions (2):

Labcorp Genetics (formerly Invitae), Labcorp
Classification: Pathogenic for Curry-Hall syndrome; Ellis-van Creveld syndrome. Last evaluated: 2026-01-20. Review status: criteria provided, single submitter. Criteria: Invitae Variant Classification Sherloc (09022015). Collection method: clinical testing. Allele origin: germline.
Comment: This sequence change creates a premature translational stop signal (p.Arg1200*) in the EVC2 gene. It is expected to result in an absent or disrupted protein product. Loss-of-function variants in EVC2 are known to be pathogenic (PMID: 17024374, 19810119, 19876929). This variant is not present in population databases (gnomAD no frequency). This premature translational stop signal has been observed in individual(s) with clinical features of EVC2-related conditions (internal data). ClinVar contains an entry for this variant (Variation ID: 553692). For these reasons, this variant has been classified as Pathogenic.

Counsyl
Classification: Likely pathogenic for Ellis-van Creveld syndrome. Last evaluated: 2017-09-12. Review status: no assertion criteria provided. Collection method: clinical testing. Allele origin: unknown. Not counted in ClinVar's aggregate classification.

Literature cited by the submitters: PubMed 17024374 (cited by Labcorp Genetics (formerly Invitae), Labcorp); PubMed 19810119 (cited by Labcorp Genetics (formerly Invitae), Labcorp); PubMed 19876929 (cited by Labcorp Genetics (formerly Invitae), Labcorp).

NM_147127.5(EVC2):c.3598C>T (p.Arg1200Ter)

Gene: EVC2 (EvC ciliary complex subunit 2; minus strand). Cytogenetic location: 4p16.2.
Variant type: single nucleotide variant.
Coding change: c.3598C>T on transcript NM_147127.5 (MANE Select); coding-DNA position 3598, C replaced by T.
Protein change: p.Arg1200Ter; replaces arginine 1200 with a stop codon.
Molecular consequence: nonsense.
Genome position (GRCh38, 1-based): chr4:5,565,319, G>A on the plus strand (C>T on the coding strand, the complement: EVC2 is on the minus strand). VCF-style: chr4-5565319-G-A. GRCh37 (hg19) VCF-style: chr4-5567046-G-A.
Other names: c.3358C>T, p.Arg1120Ter (NM_001166136.2); short protein forms R1200*, R1120*.
Identifiers: ClinVar variation 553692 (VCV000553692.12), dbSNP rs1305301849, ClinGen allele CA356148103.